The following is an entry in ClinVar:

NM_206933.4(USH2A):c.4136A>G (p.Asn1379Ser)

Genes: USH2A (usherin; minus strand), USH2A-AS1 (USH2A antisense RNA 1; plus strand). Cytogenetic location: 1q41.
Variant type: single nucleotide variant.
Coding change: c.4136A>G on transcript NM_206933.4 (MANE Select); coding-DNA position 4136, A replaced by G.
Protein change: p.Asn1379Ser; replaces asparagine 1379 with serine.
Molecular consequence: missense variant.
Genome position (GRCh38, 1-based): chr1:216,196,668, T>C on the plus strand (A>G on the coding strand, the complement: USH2A is on the minus strand). VCF-style: chr1-216196668-T-C. GRCh37 (hg19) VCF-style: chr1-216370010-T-C.
Other names: c.4136A>G (NM_206933.2); c.4136A>G, p.Asn1379Ser (NM_007123.6); short protein forms N1379S.
Identifiers: ClinVar variation 499501 (VCV000499501.9), dbSNP rs752569816, ClinGen allele CA1395799.

ClinVar aggregate classification (germline): Uncertain significance. Review status: criteria provided, multiple submitters, no conflicts (2 of 4 stars). 5 submissions from 4 submitters: Uncertain significance (5). Last evaluated 2024-04-14.

Conditions:
Retinitis pigmentosa 39 (RP39). Identifiers: Orphanet 791, MedGen C3151138, MONDO:0013436, OMIM 613809.
Usher syndrome type 2A. Also called: RETINAL DISEASE IN USHER SYNDROME TYPE IIA, MODIFIER OF; USHER SYNDROME, TYPE IIA. Identifiers: Orphanet 231178, Orphanet 886, MedGen C1848634, MONDO:0010169, OMIM 276901.

Allele frequency attached by ClinVar (database versions not stated): ExAC 0.00001.
gnomAD v4.1: 9 of 1,613,456 alleles (0.00056%); highest among the groups gnomAD compares: Non-Finnish European, 0.00076%; no homozygotes.

Submissions (5):

Labcorp Genetics (formerly Invitae), Labcorp
Classification: Uncertain significance. Last evaluated: 2024-04-14. Review status: criteria provided, single submitter. Criteria: Invitae Variant Classification Sherloc (09022015). Collection method: clinical testing. Allele origin: germline.
Comment: This sequence change replaces asparagine, which is neutral and polar, with serine, which is neutral and polar, at codon 1379 of the USH2A protein (p.Asn1379Ser). This variant is not present in population databases (gnomAD no frequency). This variant has not been reported in the literature in individuals affected with USH2A-related conditions. ClinVar contains an entry for this variant (Variation ID: 499501). Advanced modeling of protein sequence and biophysical properties (such as structural, functional, and spatial information, amino acid conservation, physicochemical variation, residue mobility, and thermodynamic stability) performed at Invitae indicates that this missense variant is not expected to disrupt USH2A protein function with a negative predictive value of 95%. Algorithms developed to predict the effect of sequence changes on RNA splicing suggest that this variant may disrupt the consensus splice site. In summary, the available evidence is currently insufficient to determine the role of this variant in disease. Therefore, it has been classified as a Variant of Uncertain Significance.

Genome-Nilou Lab
Classification: Uncertain significance for Retinitis pigmentosa 39. Last evaluated: 2023-11-04. Review status: criteria provided, single submitter. Criteria: ACMG Guidelines, 2015. Collection method: clinical testing. Allele origin: germline. Affected: no.

Genome-Nilou Lab
Classification: Uncertain significance for Usher syndrome type 2A. Last evaluated: 2023-11-04. Review status: criteria provided, single submitter. Criteria: ACMG Guidelines, 2015. Collection method: clinical testing. Allele origin: germline. Affected: no.

GeneDx
Classification: Uncertain significance. Last evaluated: 2022-08-23. Review status: criteria provided, single submitter. Criteria: GeneDx Variant Classification Process June 2021. Collection method: clinical testing. Allele origin: germline. Affected: yes.
Comment: Not observed at significant frequency in large population cohorts (gnomAD); In silico analysis supports that this missense variant does not alter protein structure/function; Has not been previously published as pathogenic or benign to our knowledge; In silico analysis suggests this variant may impact gene splicing. In the absence of RNA/functional studies, the actual effect of this sequence change is unknown.

Eurofins Ntd Llc (ga)
Classification: Uncertain significance. Last evaluated: 2017-01-25. Review status: criteria provided, single submitter. Criteria: EGL Classification Definitions 2015. Collection method: clinical testing. Allele origin: germline. Observed: 1 variant allele, 1 heterozygote.